The following is an entry in ClinVar:

NM_004168.4(SDHA):c.1692G>C (p.Glu564Asp)

Gene: SDHA (succinate dehydrogenase complex flavoprotein subunit A; plus strand). Cytogenetic location: 5p15.33.
Variant type: single nucleotide variant.
Coding change: c.1692G>C on transcript NM_004168.4 (MANE Select); coding-DNA position 1692, G replaced by C.
Protein change: p.Glu564Asp; replaces glutamic acid 564 with aspartic acid.
Molecular consequence: missense variant. On other transcripts: intron variant (1).
Genome position (GRCh38, 1-based): chr5:251,366, G>C. VCF-style: chr5-251366-G-C. GRCh37 (hg19) VCF-style: chr5-251481-G-C.
Other names: c.1548G>C, p.Glu516Asp (NM_001294332.2); c.1552-3027G>C (NM_001330758.2); c.1692G>C (NM_004168.2); short protein forms E516D, E564D.
Identifiers: ClinVar variation 843066 (VCV000843066.11), dbSNP rs368388954, ClinGen allele CA358999968.

ClinVar aggregate classification (germline): Uncertain significance. Review status: criteria provided, multiple submitters, no conflicts (2 of 4 stars). 2 submissions from 2 submitters: Uncertain significance (2). Last evaluated 2025-10-11.

Conditions:
Pheochromocytoma/paraganglioma syndrome 5. Also called: Paragangliomas 5; SDHA-Related Hereditary Paraganglioma-Pheochromocytoma Syndrome. Identifiers: Orphanet 29072, MedGen C3279992, MONDO:0013602, OMIM 614165.
Mitochondrial complex II deficiency, nuclear type 1. Also called: SUCCINATE CoQ REDUCTASE DEFICIENCY. Identifiers: Orphanet 3208, MedGen C5700310, MONDO:0100294, OMIM 252011.
Hereditary cancer-predisposing syndrome. Also called: Tumor predisposition; Hereditary neoplastic syndrome; Neoplastic Syndromes, Hereditary; Hereditary Cancer Syndrome. Identifiers: Orphanet 140162, MedGen C0027672, MeSH D009386, MONDO:0015356.

Submissions (2):

Labcorp Genetics (formerly Invitae), Labcorp
Classification: Uncertain significance for Pheochromocytoma/paraganglioma syndrome 5; Mitochondrial complex II deficiency, nuclear type 1. Last evaluated: 2025-10-11. Review status: criteria provided, single submitter. Criteria: Invitae Variant Classification Sherloc (09022015). Collection method: clinical testing. Allele origin: germline.
Comment: This sequence change replaces glutamic acid, which is acidic and polar, with aspartic acid, which is acidic and polar, at codon 564 of the SDHA protein (p.Glu564Asp). This variant is not present in population databases (gnomAD no frequency). This variant has not been reported in the literature in individuals affected with SDHA-related conditions. ClinVar contains an entry for this variant (Variation ID: 843066). Invitae Evidence Modeling of protein sequence and biophysical properties (such as structural, functional, and spatial information, amino acid conservation, physicochemical variation, residue mobility, and thermodynamic stability) has been performed for this missense variant. However, the output from this modeling did not meet the statistical confidence thresholds required to predict the impact of this variant on SDHA protein function. In summary, the available evidence is currently insufficient to determine the role of this variant in disease. Therefore, it has been classified as a Variant of Uncertain Significance.

Ambry Genetics
Classification: Uncertain significance for Hereditary cancer-predisposing syndrome. Last evaluated: 2024-01-27. Review status: criteria provided, single submitter. Criteria: Ambry Variant Classification Scheme 2023. Collection method: clinical testing. Allele origin: germline.
Comment: The p.E564D variant (also known as c.1692G>C), located in coding exon 13 of the SDHA gene, results from a G to C substitution at nucleotide position 1692. The glutamic acid at codon 564 is replaced by aspartic acid, an amino acid with highly similar properties. This amino acid position is conserved. In addition, the in silico prediction for this alteration is inconclusive. Based on the available evidence, the clinical significance of this alteration remains unclear.